The following is an entry in ClinVar:

NM_000091.5(COL4A3):c.1331G>A (p.Arg444His)

Genes: COL4A3 (collagen type IV alpha 3 chain; plus strand), MFF-DT (MFF divergent transcript; minus strand). Cytogenetic location: 2q36.3.
Variant type: single nucleotide variant.
Coding change: c.1331G>A on transcript NM_000091.5 (MANE Select); coding-DNA position 1331, G replaced by A.
Protein change: p.Arg444His; replaces arginine 444 with histidine.
Molecular consequence: missense variant.
Genome position (GRCh38, 1-based): chr2:227,266,432, G>A. VCF-style: chr2-227266432-G-A. GRCh37 (hg19) VCF-style: chr2-228131148-G-A.
Other names: short protein forms R444H.
Identifiers: ClinVar variation 2140373 (VCV002140373.4), dbSNP rs761355107, ClinGen allele CA2146621.

ClinVar aggregate classification (germline): Uncertain significance. Review status: criteria provided, multiple submitters, no conflicts (2 of 4 stars). 3 submissions from 3 submitters: Uncertain significance (3). Last evaluated 2025-07-08.

Conditions:
Autosomal dominant Alport syndrome (ATS3A). Also called: Alport syndrome dominant type; Renal failure and sensorineural hearing loss; ALPORT SYNDROME 3A, AUTOSOMAL DOMINANT. Identifiers: Orphanet 63, Orphanet 88918, MedGen C5882663, MONDO:0007086, OMIM 104200.
Hematuria, benign familial, 2 (BFH2). Identifiers: MedGen C5830421, MONDO:0958186, OMIM 620320.
Alport syndrome 3b, autosomal recessive. Identifiers: MedGen C5882699, MONDO:0957811, OMIM 620536.

Allele frequency attached by ClinVar (database versions not stated): gnomAD 0.00001; ExAC 0.00001; TOPMed 0.00002.
gnomAD v4.1: 22 of 1,613,810 alleles (0.0014%); highest among the groups gnomAD compares: East Asian, 0.0067%; no homozygotes.

Submissions (3):

Dasa
Classification: Uncertain significance. Last evaluated: 2025-07-08. Review status: criteria provided, single submitter. Criteria: DASA Assertion Criteria. Collection method: clinical testing. Allele origin: germline.
Comment: NM_000091.5(COL4A3):c.1331G>A (p.Arg444His) is a missense variant that results in the substitution of arginine with histidine. This variant is rare in population databases. Computational prediction algorithms are consistent with a benign effect. The currently available literature and clinical evidence are not sufficient to establish a definitive association between this variant and the reported condition. Therefore, this variant is classified as a variant of uncertain significance.

Fulgent Genetics
Classification: Uncertain significance for Autosomal dominant Alport syndrome; Hematuria, benign familial, 2; Alport syndrome 3b, autosomal recessive. Last evaluated: 2024-02-02. Review status: criteria provided, single submitter. Criteria: ACMG Guidelines, 2015. Collection method: clinical testing. Allele origin: germline.

Labcorp Genetics (formerly Invitae), Labcorp
Classification: Uncertain significance. Last evaluated: 2021-09-01. Review status: criteria provided, single submitter. Criteria: Invitae Variant Classification Sherloc (09022015). Collection method: clinical testing. Allele origin: germline.
Comment: This sequence change replaces arginine with histidine at codon 444 of the COL4A3 protein (p.Arg444His). The arginine residue is weakly conserved and there is a small physicochemical difference between arginine and histidine. This variant is present in population databases (rs761355107, ExAC 0.006%). This variant has not been reported in the literature in individuals affected with COL4A3-related conditions. Algorithms developed to predict the effect of missense changes on protein structure and function output the following: SIFT: "Tolerated"; PolyPhen-2: "Benign"; Align-GVGD: "Class C0". The histidine amino acid residue is found in multiple mammalian species, which suggests that this missense change does not adversely affect protein function. In summary, the available evidence is currently insufficient to determine the role of this variant in disease. Therefore, it has been classified as a Variant of Uncertain Significance.